The following is an entry in ClinVar:

ClinVar aggregate classification (germline): Uncertain significance. Review status: criteria provided, multiple submitters, no conflicts (2 of 4 stars). 2 submissions from 2 submitters: Uncertain significance (2). Last evaluated 2025-05-25.

gnomAD v4.1: 66 of 1,605,562 alleles (0.0041%); highest among the groups gnomAD compares: East Asian, 0.083%; 1 homozygote.

Submissions (2):

Labcorp Genetics (formerly Invitae), Labcorp
Classification: Uncertain significance. Last evaluated: 2025-05-25. Review status: criteria provided, single submitter. Criteria: Invitae Variant Classification Sherloc (09022015). Collection method: clinical testing. Allele origin: germline.
Comment: This sequence change replaces cysteine, which is neutral and slightly polar, with arginine, which is basic and polar, at codon 713 of the RASGRP1 protein (p.Cys713Arg). This variant is present in population databases (rs765212266, gnomAD 0.2%). This variant has not been reported in the literature in individuals affected with RASGRP1-related conditions. ClinVar contains an entry for this variant (Variation ID: 3631631). An algorithm developed to predict the effect of missense changes on protein structure and function (PolyPhen-2) suggests that this variant is likely to be tolerated. In summary, the available evidence is currently insufficient to determine the role of this variant in disease. Therefore, it has been classified as a Variant of Uncertain Significance.

Blueprint Genetics
Classification: Uncertain significance. Last evaluated: 2023-11-29. Review status: criteria provided, single submitter. Criteria: ACMG Guidelines, 2015. Collection method: clinical testing. Allele origin: germline.

NM_005739.4(RASGRP1):c.2137T>C (p.Cys713Arg)

Gene: RASGRP1 (RAS guanyl releasing protein 1; minus strand). Cytogenetic location: 15q14.
Variant type: single nucleotide variant.
Coding change: c.2137T>C on transcript NM_005739.4 (MANE Select); coding-DNA position 2137, T replaced by C.
Protein change: p.Cys713Arg; replaces cysteine 713 with arginine.
Molecular consequence: missense variant. On other transcripts: intron variant (1).
Genome position (GRCh38, 1-based): chr15:38,494,504, A>G on the plus strand (T>C on the coding strand, the complement: RASGRP1 is on the minus strand). VCF-style: chr15-38494504-A-G. GRCh37 (hg19) VCF-style: chr15-38786705-A-G.
Other names: c.2032T>C, p.Cys678Arg (NM_001128602.2); c.1769-3816T>C (NM_001306086.2); short protein forms C678R, C713R.
Identifiers: ClinVar variation 3631631 (VCV003631631.3).